The following is an entry in ClinVar:

NM_020738.4(KIDINS220):c.5036C>G (p.Thr1679Ser)

Gene: KIDINS220 (kinase D interacting substrate 220; minus strand). Cytogenetic location: 2p25.1.
Variant type: single nucleotide variant.
Coding change: c.5036C>G on transcript NM_020738.4 (MANE Select); coding-DNA position 5036, C replaced by G.
Protein change: p.Thr1679Ser; replaces threonine 1679 with serine.
Molecular consequence: missense variant. On other transcripts: intron variant (6).
Genome position (GRCh38, 1-based): chr2:8,731,000, G>C on the plus strand (C>G on the coding strand, the complement: KIDINS220 is on the minus strand). VCF-style: chr2-8731000-G-C. GRCh37 (hg19) VCF-style: chr2-8871130-G-C.
Other names: c.5039C>G, p.Thr1680Ser (NM_001348729.2); c.4982C>G, p.Thr1661Ser (NM_001348731.2); c.4979C>G, p.Thr1660Ser (NM_001348732.2); c.4868C>G, p.Thr1623Ser (NM_001348734.2); c.4865C>G, p.Thr1622Ser (NM_001348735.2); c.4739C>G, p.Thr1580Ser (NM_001348736.2); c.3882+2444C>G (NM_001348741.2, NM_001348742.2, NM_001348743.2); c.3996+2444C>G (NM_001348738.2); and 1 more; short protein forms T1580S, T1622S, T1623S, T1660S, T1661S, T1679S, T1680S.
Identifiers: ClinVar variation 1804522 (VCV001804522.7), dbSNP rs1663998046, ClinGen allele CA345762014.

ClinVar aggregate classification (germline): Uncertain significance. Review status: criteria provided, multiple submitters, no conflicts (2 of 4 stars). 3 submissions from 3 submitters: Uncertain significance (3). Last evaluated 2026-02-24.

Conditions:
KIDINS220-related disorder. Also called: KIDINS220-related condition.

Allele frequency attached by ClinVar (database versions not stated): gnomAD exomes below 0.00001.
gnomAD v4.1: 4 of 1,614,182 alleles (0.00025%); highest among the groups gnomAD compares: South Asian, 0.0011%; no homozygotes.

Submissions (3):

PreventionGenetics, part of Exact Sciences
Classification: Uncertain significance for KIDINS220-related condition. Last evaluated: 2026-02-24. Review status: criteria provided, single submitter. Criteria: ACMG Guidelines, 2015. Collection method: clinical testing. Allele origin: germline.
Comment: The KIDINS220 c.5036C>G variant is predicted to result in the amino acid substitution p.Thr1679Ser. To our knowledge, this variant has not been reported in the literature or in a large population database (gnomAD), indicating this variant is rare. At this time, the clinical significance of this variant is uncertain due to the absence of conclusive functional and genetic evidence.

Labcorp Genetics (formerly Invitae), Labcorp
Classification: Uncertain significance. Last evaluated: 2022-09-28. Review status: criteria provided, single submitter. Criteria: Invitae Variant Classification Sherloc (09022015). Collection method: clinical testing. Allele origin: germline.
Comment: In summary, the available evidence is currently insufficient to determine the role of this variant in disease. Therefore, it has been classified as a Variant of Uncertain Significance. Algorithms developed to predict the effect of missense changes on protein structure and function (SIFT, PolyPhen-2, Align-GVGD) all suggest that this variant is likely to be tolerated. This variant has not been reported in the literature in individuals affected with KIDINS220-related conditions. This variant is not present in population databases (gnomAD no frequency). This sequence change replaces threonine, which is neutral and polar, with serine, which is neutral and polar, at codon 1679 of the KIDINS220 protein (p.Thr1679Ser).

GeneDx
Classification: Uncertain significance. Last evaluated: 2022-06-17. Review status: criteria provided, single submitter. Criteria: GeneDx Variant Classification Process June 2021. Collection method: clinical testing. Allele origin: germline. Affected: yes.
Comment: Not observed at significant frequency in large population cohorts (gnomAD); In silico analysis supports that this missense variant does not alter protein structure/function; Has not been previously published as pathogenic or benign to our knowledge